The following is an entry in ClinVar:

NM_006662.3(SRCAP):c.8324G>A (p.Ser2775Asn)

Gene: SRCAP (Snf2 related CREBBP activator protein; plus strand). Cytogenetic location: 16p11.2.
Variant type: single nucleotide variant.
Coding change: c.8324G>A on transcript NM_006662.3 (MANE Select); coding-DNA position 8324, G replaced by A.
Protein change: p.Ser2775Asn; replaces serine 2775 with asparagine.
Molecular consequence: missense variant.
Genome position (GRCh38, 1-based): chr16:30,738,364, G>A. VCF-style: chr16-30738364-G-A. GRCh37 (hg19) VCF-style: chr16-30749685-G-A.
Other names: short protein forms S2775N.
Identifiers: ClinVar variation 2484981 (VCV002484981.4), dbSNP rs1419842553, ClinGen allele CA395637146.

ClinVar aggregate classification (germline): Uncertain significance. Review status: criteria provided, multiple submitters, no conflicts (2 of 4 stars). 2 submissions from 2 submitters: Uncertain significance (2). Last evaluated 2024-12-31.

Conditions:
Inborn genetic diseases. Identifiers: MedGen C0950123, MeSH D030342.

Allele frequency attached by ClinVar (database versions not stated): gnomAD exomes 0.00001.
gnomAD v4.1: 3 of 1,561,922 alleles (0.00019%); highest among the groups gnomAD compares: Non-Finnish European, 0.00026%; no homozygotes.

Submissions (2):

Labcorp Genetics (formerly Invitae), Labcorp
Classification: Uncertain significance. Last evaluated: 2024-12-31. Review status: criteria provided, single submitter. Criteria: Invitae Variant Classification Sherloc (09022015). Collection method: clinical testing. Allele origin: germline.
Comment: This sequence change replaces serine, which is neutral and polar, with asparagine, which is neutral and polar, at codon 2775 of the SRCAP protein (p.Ser2775Asn). The frequency data for this variant in the population databases is considered unreliable, as metrics indicate poor data quality at this position in the gnomAD database. This variant has not been reported in the literature in individuals affected with SRCAP-related conditions. ClinVar contains an entry for this variant (Variation ID: 2484981). Invitae Evidence Modeling of protein sequence and biophysical properties (such as structural, functional, and spatial information, amino acid conservation, physicochemical variation, residue mobility, and thermodynamic stability) indicates that this missense variant is not expected to disrupt SRCAP protein function with a negative predictive value of 80%. In summary, the available evidence is currently insufficient to determine the role of this variant in disease. Therefore, it has been classified as a Variant of Uncertain Significance.

Ambry Genetics
Classification: Uncertain significance for Inborn genetic diseases. Last evaluated: 2023-02-15. Review status: criteria provided, single submitter. Criteria: Ambry Variant Classification Scheme 2023. Collection method: clinical testing. Allele origin: germline.